The following is an entry in ClinVar:

NM_000143.4(FH):c.26C>T (p.Ala9Val)

Gene: FH (fumarate hydratase; minus strand). Cytogenetic location: 1q43.
Variant type: single nucleotide variant.
Coding change: c.26C>T on transcript NM_000143.4 (MANE Select); coding-DNA position 26, C replaced by T.
Protein change: p.Ala9Val; replaces alanine 9 with valine.
Molecular consequence: missense variant.
Genome position (GRCh38, 1-based): chr1:241,519,697, G>A on the plus strand (C>T on the coding strand, the complement: FH is on the minus strand). VCF-style: chr1-241519697-G-A. GRCh37 (hg19) VCF-style: chr1-241682997-G-A.
Other names: short protein forms A9V.
Identifiers: ClinVar variation 3515088 (VCV003515088.3).

ClinVar aggregate classification (germline): Uncertain significance. Review status: criteria provided, multiple submitters, no conflicts (2 of 4 stars). 2 submissions from 2 submitters: Uncertain significance (2). Last evaluated 2025-01-12.

Conditions:
Hereditary cancer-predisposing syndrome. Also called: Tumor predisposition; Neoplastic Syndromes, Hereditary; Hereditary Cancer Syndrome; Hereditary neoplastic syndrome. Identifiers: Orphanet 140162, MedGen C0027672, MeSH D009386, MONDO:0015356.

gnomAD v4.1: 2 of 1,546,730 alleles (0.00013%); highest among the groups gnomAD compares: African/African-American, 0.0014%; no homozygotes.

Submissions (2):

Labcorp Genetics (formerly Invitae), Labcorp
Classification: Uncertain significance. Last evaluated: 2025-01-12. Review status: criteria provided, single submitter. Criteria: Invitae Variant Classification Sherloc (09022015). Collection method: clinical testing. Allele origin: germline.
Comment: This sequence change replaces alanine, which is neutral and non-polar, with valine, which is neutral and non-polar, at codon 9 of the FH protein (p.Ala9Val). This variant is not present in population databases (gnomAD no frequency). This variant has not been reported in the literature in individuals affected with FH-related conditions. Invitae Evidence Modeling of protein sequence and biophysical properties (such as structural, functional, and spatial information, amino acid conservation, physicochemical variation, residue mobility, and thermodynamic stability) indicates that this missense variant is not expected to disrupt FH protein function with a negative predictive value of 95%. In summary, the available evidence is currently insufficient to determine the role of this variant in disease. Therefore, it has been classified as a Variant of Uncertain Significance.

Ambry Genetics
Classification: Uncertain significance for Hereditary cancer-predisposing syndrome. Last evaluated: 2024-08-10. Review status: criteria provided, single submitter. Criteria: Ambry Variant Classification Scheme 2023. Collection method: clinical testing. Allele origin: germline.
Comment: The p.A9V variant (also known as c.26C>T), located in coding exon 1 of the FH gene, results from a C to T substitution at nucleotide position 26. The alanine at codon 9 is replaced by valine, an amino acid with similar properties. This amino acid position is well conserved in available vertebrate species. In addition, the in silico prediction for this alteration is inconclusive. Based on the available evidence, the clinical significance of this variant remains unclear.